The following is an entry in ClinVar:

ClinVar aggregate classification (germline): Uncertain significance (1 of 4 stars; one submission).

Conditions:
Hereditary cancer-predisposing syndrome. Also called: Tumor predisposition; Hereditary Cancer Syndrome; Neoplastic Syndromes, Hereditary; Hereditary neoplastic syndrome. Identifiers: Orphanet 140162, MedGen C0027672, MeSH D009386, MONDO:0015356.

gnomAD v4.1: 2 of 1,306,624 alleles (0.00015%); highest among the groups gnomAD compares: Non-Finnish European, 0.00022%; no homozygotes.

Submission:

Molecular Diagnostics Laboratory, Catalan Institute of Oncology
Classification: Uncertain significance for Hereditary cancer-predisposing syndrome. Last evaluated: 2024-10-09. Review status: criteria provided, single submitter. Criteria: MMR VCEP Paper Draft V3.1. Collection method: clinical testing. Allele origin: germline.
Comment: PM2_Supporting H6 c.3557-18G>A is an intronic variant located close to a canonical splice site. This variant is found in 1/264166 in the gnomAD v2.1.1 database (non-cancer data set)(PM2_Supporting). Computational tools on splicing for this variant are inconclusive (MAPP+PolyPhen-2 prior probability for pathogenicity: 0.34). To our knowledge, neither clinical data nor functional studies have not been reported for this variant. In addition, the variant has not been identified neither ClinVar, LOVD nor InSiGHT databases. Based on currently available information, the variant c.3557-18G>A is classified as an uncertain significance variant according to ACMG guidelines.

NM_000179.3(MSH6):c.3557-18G>A

Gene: MSH6 (mutS homolog 6; plus strand). Cytogenetic location: 2p16.3.
Variant type: single nucleotide variant.
Coding change: c.3557-18G>A on transcript NM_000179.3 (MANE Select); 18 bases into the intron before coding-DNA position 3557, G replaced by A.
Molecular consequence: intron variant.
Genome position (GRCh38, 1-based): chr2:47,805,600, G>A. VCF-style: chr2-47805600-G-A. GRCh37 (hg19) VCF-style: chr2-48032739-G-A.
Other names: c.2693-18G>A (NM_001406803.1); c.2651-18G>A (NM_001406812.1, NM_001406816.1, NM_001281493.2 and 6 more transcripts); c.3032-18G>A (NM_001406799.1, NM_001406806.1, NM_001406807.1); c.1991-18G>A (NM_001406817.1); c.1502-18G>A (NM_001407362.1); c.3479-18G>A (NM_001406804.1); c.3167-18G>A (NM_001281492.2); c.3260-18G>A (NM_001406797.1, NM_001406801.1, NM_001406818.1 and 10 more transcripts); and 7 more.
Identifiers: ClinVar variation 3774399 (VCV003774399.1).